The following is an entry in ClinVar:

NM_002941.4(ROBO1):c.-50-1G>A

Gene: ROBO1 (roundabout guidance receptor 1; minus strand). Cytogenetic location: 3p12.3.
Variant type: single nucleotide variant.
Coding change: c.-50-1G>A on transcript NM_002941.4 (MANE Select); the canonical splice acceptor site of the intron before 50 bases upstream of the start codon, G replaced by A.
Molecular consequence: splice acceptor variant.
Genome position (GRCh38, 1-based): chr3:79,589,962, C>T on the plus strand (G>A on the coding strand, the complement: ROBO1 is on the minus strand). VCF-style: chr3-79589962-C-T. GRCh37 (hg19) VCF-style: chr3-79639112-C-T.
Identifiers: ClinVar variation 2573800 (VCV002573800.2), dbSNP rs2473287856, ClinGen allele CA2580616502.

ClinVar aggregate classification (germline): Uncertain significance (1 of 4 stars; one submission).

Submission:

GeneDx
Classification: Uncertain significance. Last evaluated: 2024-11-19. Review status: criteria provided, single submitter. Criteria: GeneDx Variant Classification Process June 2021. Collection method: clinical testing. Allele origin: germline.
Comment: In silico analysis supports a deleterious effect on splicing; Has not been previously published as pathogenic or benign to our knowledge; No data available from ethnically-matched control populations to assess the frequency of this variant